The following is an entry in ClinVar:

ClinVar aggregate classification (germline): Pathogenic/Likely pathogenic. Review status: criteria provided, multiple submitters, no conflicts (2 of 4 stars). 2 submissions from 2 submitters: Pathogenic (1); Likely pathogenic (1). Last evaluated 2025-08-02.

Conditions:
MYO18B-related disorder. Also called: MYO18B-related condition.

gnomAD v4.1: 18 of 1,565,222 alleles (0.0011%); highest among the groups gnomAD compares: Non-Finnish European, 0.0015%; no homozygotes.

Submissions (2):

Labcorp Genetics (formerly Invitae), Labcorp
Classification: Pathogenic. Last evaluated: 2025-08-02. Review status: criteria provided, single submitter. Criteria: Invitae Variant Classification Sherloc (09022015). Collection method: clinical testing. Allele origin: germline.
Comment: This sequence change creates a premature translational stop signal (p.Lys1480*) in the MYO18B gene. It is expected to result in an absent or disrupted protein product. Loss-of-function variants in MYO18B are known to be pathogenic (PMID: 25748484, 32184166, 32637634). This variant is present in population databases (no rsID available, gnomAD 0.007%). This variant has not been reported in the literature in individuals affected with MYO18B-related conditions. Algorithms developed to predict the effect of sequence changes on RNA splicing suggest that this variant may disrupt the consensus splice site. For these reasons, this variant has been classified as Pathogenic.

Blueprint Genetics
Classification: Likely pathogenic for MYO18B-related disorders. Last evaluated: 2023-06-06. Review status: criteria provided, single submitter. Criteria: ACMG Guidelines, 2015. Collection method: clinical testing. Allele origin: germline. Affected: yes. Observed: 3 variant alleles.

Literature cited by the submitters: PubMed 25748484 (cited by Labcorp Genetics (formerly Invitae), Labcorp); PubMed 32184166 (cited by Labcorp Genetics (formerly Invitae), Labcorp); PubMed 32637634 (cited by Labcorp Genetics (formerly Invitae), Labcorp).

NM_032608.7(MYO18B):c.4438A>T (p.Lys1480Ter)

Genes: MYO18B (myosin XVIIIB; plus strand), MYO18B-AS1 (MYO18B antisense RNA 1; minus strand). Cytogenetic location: 22q12.1.
Variant type: single nucleotide variant.
Coding change: c.4438A>T on transcript NM_032608.7 (MANE Select); coding-DNA position 4438, A replaced by T.
Protein change: p.Lys1480Ter; replaces lysine 1480 with a stop codon.
Molecular consequence: nonsense.
Genome position (GRCh38, 1-based): chr22:25,891,307, A>T. VCF-style: chr22-25891307-A-T. GRCh37 (hg19) VCF-style: chr22-26287274-A-T.
Other names: c.4441A>T, p.Lys1481Ter (NM_001318245.2); short protein forms K1480*, K1481*.
Identifiers: ClinVar variation 4763112 (VCV004763112.2).